The following is an entry in ClinVar:

NM_004371.4(COPA):c.2701G>A (p.Gly901Arg)

Gene: COPA (coat protein complex I subunit alpha; minus strand). Cytogenetic location: 1q23.2.
Variant type: single nucleotide variant.
Coding change: c.2701G>A on transcript NM_004371.4 (MANE Select); coding-DNA position 2701, G replaced by A.
Protein change: p.Gly901Arg; replaces glycine 901 with arginine.
Molecular consequence: missense variant.
Genome position (GRCh38, 1-based): chr1:160,293,439, C>T on the plus strand (G>A on the coding strand, the complement: COPA is on the minus strand). VCF-style: chr1-160293439-C-T. GRCh37 (hg19) VCF-style: chr1-160263229-C-T.
Other names: c.2728G>A, p.Gly910Arg (NM_001098398.2); short protein forms G910R, G901R.
Identifiers: ClinVar variation 3495945 (VCV003495945.4).

ClinVar aggregate classification (germline): Uncertain significance. Review status: criteria provided, multiple submitters, no conflicts (2 of 4 stars). 3 submissions from 3 submitters: Uncertain significance (3). Last evaluated 2024-07-09.

Conditions:
Autoimmune interstitial lung disease-arthritis syndrome. Also called: Autoinflammation and autoimmunity, systemic, with immune dysregulation. Identifiers: Orphanet 444092, MedGen C5975714, MONDO:0014629.
Inborn genetic diseases. Identifiers: MedGen C0950123, MeSH D030342.

gnomAD v4.1: 12 of 1,607,962 alleles (0.00075%); highest among the groups gnomAD compares: Middle Eastern, 0.033%; no homozygotes.

Submissions (3):

Ambry Genetics
Classification: Uncertain significance for Inborn genetic diseases. Last evaluated: 2024-07-09. Review status: criteria provided, single submitter. Criteria: Ambry Variant Classification Scheme 2023. Collection method: clinical testing. Allele origin: germline.

Labcorp Genetics (formerly Invitae), Labcorp
Classification: Uncertain significance for Autoimmune interstitial lung disease-arthritis syndrome. Last evaluated: 2024-05-18. Review status: criteria provided, single submitter. Criteria: Invitae Variant Classification Sherloc (09022015). Collection method: clinical testing. Allele origin: germline.
Comment: This sequence change replaces glycine, which is neutral and non-polar, with arginine, which is basic and polar, at codon 901 of the COPA protein (p.Gly901Arg). This variant is present in population databases (rs757887150, gnomAD 0.002%). This variant has not been reported in the literature in individuals affected with COPA-related conditions. Advanced modeling of protein sequence and biophysical properties (such as structural, functional, and spatial information, amino acid conservation, physicochemical variation, residue mobility, and thermodynamic stability) performed at Invitae indicates that this missense variant is not expected to disrupt COPA protein function with a negative predictive value of 80%. In summary, the available evidence is currently insufficient to determine the role of this variant in disease. Therefore, it has been classified as a Variant of Uncertain Significance.

Blueprint Genetics
Classification: Uncertain significance. Last evaluated: 2021-05-11. Review status: criteria provided, single submitter. Criteria: ACMG Guidelines, 2015. Collection method: clinical testing. Allele origin: germline.